The following is an entry in ClinVar:

NM_001103.4(ACTN2):c.1115C>T (p.Ala372Val)

Gene: ACTN2 (actinin alpha 2; plus strand). Cytogenetic location: 1q43.
Variant type: single nucleotide variant.
Coding change: c.1115C>T on transcript NM_001103.4 (MANE Select); coding-DNA position 1115, C replaced by T.
Protein change: p.Ala372Val; replaces alanine 372 with valine.
Molecular consequence: missense variant. On other transcripts: non-coding transcript variant (1).
Genome position (GRCh38, 1-based): chr1:236,742,903, C>T. VCF-style: chr1-236742903-C-T. GRCh37 (hg19) VCF-style: chr1-236906203-C-T.
Other names: c.1115C>T, p.Ala372Val (NM_001278343.2); short protein forms A372V.
Identifiers: ClinVar variation 3753174 (VCV003753174.2).

ClinVar aggregate classification (germline): Uncertain significance (1 of 4 stars; one submission).

Conditions:
Dilated cardiomyopathy 1AA (CMD1AA). Also called: CARDIOMYOPATHY, DILATED, 1AA, WITH OR WITHOUT LEFT VENTRICULAR NONCOMPACTION; CARDIOMYOPATHY, FAMILIAL HYPERTROPHIC, 23, WITH OR WITHOUT LEFT VENTRICULAR NONCOMPACTION; Cardiomyopathy, dilated, 1AA, with or without LVNC. Identifiers: Orphanet 154, MedGen C2677338, MONDO:0012808, OMIM 612158.
Primary familial hypertrophic cardiomyopathy (HCM). Identifiers: Orphanet 99739, MedGen C0949658, MeSH D024741, MONDO:0024573. Inheritance: Various modes of inheritance.

Submission:

Labcorp Genetics (formerly Invitae), Labcorp
Classification: Uncertain significance for Primary familial hypertrophic cardiomyopathy; Dilated cardiomyopathy 1AA. Last evaluated: 2024-09-02. Review status: criteria provided, single submitter. Criteria: Invitae Variant Classification Sherloc (09022015). Collection method: clinical testing. Allele origin: germline.
Comment: This sequence change replaces alanine, which is neutral and non-polar, with valine, which is neutral and non-polar, at codon 372 of the ACTN2 protein (p.Ala372Val). This variant is not present in population databases (gnomAD no frequency). This variant has not been reported in the literature in individuals affected with ACTN2-related conditions. Invitae Evidence Modeling of protein sequence and biophysical properties (such as structural, functional, and spatial information, amino acid conservation, physicochemical variation, residue mobility, and thermodynamic stability) indicates that this missense variant is not expected to disrupt ACTN2 protein function with a negative predictive value of 80%. In summary, the available evidence is currently insufficient to determine the role of this variant in disease. Therefore, it has been classified as a Variant of Uncertain Significance.